The following is an entry in ClinVar:

NM_006517.5(SLC16A2):c.800G>A (p.Ser267Asn)

Gene: SLC16A2 (solute carrier family 16 member 2; plus strand). Cytogenetic location: Xq13.2.
Variant type: single nucleotide variant.
Coding change: c.800G>A on transcript NM_006517.5 (MANE Select); coding-DNA position 800, G replaced by A.
Protein change: p.Ser267Asn; replaces serine 267 with asparagine.
Molecular consequence: missense variant.
Genome position (GRCh38, 1-based): chrX:74,524,583, G>A. VCF-style: chrX-74524583-G-A. GRCh37 (hg19) VCF-style: chrX-73744418-G-A.
Other names: short protein forms S267N.
Identifiers: ClinVar variation 4805513 (VCV004805513.1).

ClinVar aggregate classification (germline): Uncertain significance (1 of 4 stars; one submission).

Conditions:
Spastic paraplegia. Identifiers: MedGen C0037772, HP:0001258.

Submission:

Labcorp Genetics (formerly Invitae), Labcorp
Classification: Uncertain significance for Spastic paraplegia. Last evaluated: 2025-07-21. Review status: criteria provided, single submitter. Criteria: Invitae Variant Classification Sherloc (09022015). Collection method: clinical testing. Allele origin: germline.
Comment: This sequence change replaces serine, which is neutral and polar, with asparagine, which is neutral and polar, at codon 267 of the SLC16A2 protein (p.Ser267Asn). This variant is not present in population databases (gnomAD no frequency). This variant has not been reported in the literature in individuals affected with SLC16A2-related conditions. Invitae Evidence Modeling of protein sequence and biophysical properties (such as structural, functional, and spatial information, amino acid conservation, physicochemical variation, residue mobility, and thermodynamic stability) indicates that this missense variant is expected to disrupt SLC16A2 protein function with a positive predictive value of 95%. In summary, the available evidence is currently insufficient to determine the role of this variant in disease. Therefore, it has been classified as a Variant of Uncertain Significance.